The following is an entry in ClinVar:

ClinVar aggregate classification (germline): Uncertain significance (1 of 4 stars; one submission).

Conditions:
Hereditary sensory and autonomic neuropathy type 7. Also called: HSAN VII; Neuropathy, hereditary sensory and autonomic, type VII. Identifiers: Orphanet 391397, MedGen C3809882, MONDO:0014244, OMIM 615548.
Familial episodic pain syndrome with predominantly lower limb involvement. Also called: Episodic pain syndrome, familial, 3. Identifiers: Orphanet 391384, Orphanet 391392, MedGen C3809899, MONDO:0014247, OMIM 615552.

Allele frequency attached by ClinVar (database versions not stated): gnomAD exomes below 0.00001.
gnomAD v4.1: 2 of 1,613,598 alleles (0.00012%); highest among the groups gnomAD compares: Admixed American, 0.0017%; no homozygotes.

Submission:

Labcorp Genetics (formerly Invitae), Labcorp
Classification: Uncertain significance for Familial episodic pain syndrome with predominantly lower limb involvement; Hereditary sensory and autonomic neuropathy type 7. Last evaluated: 2024-11-04. Review status: criteria provided, single submitter. Criteria: Invitae Variant Classification Sherloc (09022015). Collection method: clinical testing. Allele origin: germline.
Comment: This sequence change creates a premature translational stop signal (p.Gln425*) in the SCN11A gene. It is expected to result in an absent or disrupted protein product. However, the current clinical and genetic evidence is not sufficient to establish whether loss-of-function variants in SCN11A cause disease. This variant is not present in population databases (gnomAD no frequency). This variant has not been reported in the literature in individuals affected with SCN11A-related conditions. ClinVar contains an entry for this variant (Variation ID: 2939004). In summary, the available evidence is currently insufficient to determine the role of this variant in disease. Therefore, it has been classified as a Variant of Uncertain Significance.

NM_001349253.2(SCN11A):c.1273C>T (p.Gln425Ter)

Gene: SCN11A (sodium voltage-gated channel alpha subunit 11; minus strand). Cytogenetic location: 3p22.2.
Variant type: single nucleotide variant.
Coding change: c.1273C>T on transcript NM_001349253.2 (MANE Select); coding-DNA position 1273, C replaced by T.
Protein change: p.Gln425Ter; replaces glutamine 425 with a stop codon.
Molecular consequence: nonsense.
Genome position (GRCh38, 1-based): chr3:38,909,023, G>A on the plus strand (C>T on the coding strand, the complement: SCN11A is on the minus strand). VCF-style: chr3-38909023-G-A. GRCh37 (hg19) VCF-style: chr3-38950514-G-A.
Other names: c.1273C>T, p.Gln425Ter (NM_014139.3); short protein forms Q425*.
Identifiers: ClinVar variation 2939004 (VCV002939004.3), dbSNP rs2470597736, ClinGen allele CA352167825.